The following is an entry in ClinVar:

ClinVar aggregate classification (germline): Uncertain significance (1 of 4 stars; one submission).

Conditions:
Branchiootic syndrome 3 (BOS3). Also called: BO SYNDROME 3. Identifiers: MedGen C1842124, MONDO:0012025, OMIM 608389.

gnomAD v4.1: 1 of 1,614,142 alleles (0.000062%); highest among the groups gnomAD compares: South Asian, 0.0011%; no homozygotes.

Submission:

MVZ Medizinische Genetik Mainz
Classification: Uncertain significance for Branchiootic syndrome 3. Last evaluated: 2025-10-16. Review status: criteria provided, single submitter. Criteria: UK Practice Guidelines For Variant Classification V4 01 2020. Collection method: clinical testing. Allele origin: germline. Inheritance: Autosomal dominant inheritance. Affected: yes. Observed: 1 variant allele.
Comment: ACMG Criteria: PM2_SUP,PP3

NM_005982.4(SIX1):c.505A>G (p.Ser169Gly)

Genes: MIR9718 (microRNA 9718; plus strand), SIX1 (SIX homeobox 1; minus strand). Cytogenetic location: 14q23.1.
Variant type: single nucleotide variant.
Coding change: c.505A>G on transcript NM_005982.4 (MANE Select); coding-DNA position 505, A replaced by G.
Protein change: p.Ser169Gly; replaces serine 169 with glycine.
Molecular consequence: missense variant. On other transcripts: non-coding transcript variant (1), intron variant (1).
Genome position (GRCh38, 1-based): chr14:60,648,685, T>C on the plus strand (A>G on the coding strand, the complement: SIX1 is on the minus strand). VCF-style: chr14-60648685-T-C. GRCh37 (hg19) VCF-style: chr14-61115403-T-C.
Other names: c.501+4A>G (NM_001425142.1); short protein forms S169G.
Identifiers: ClinVar variation 4526499 (VCV004526499.1).